The following is an entry in ClinVar:

ClinVar aggregate classification (germline): Uncertain significance (1 of 4 stars; one submission).

Conditions:
Hereditary cancer-predisposing syndrome. Also called: Neoplastic Syndromes, Hereditary; Tumor predisposition; Hereditary Cancer Syndrome; Hereditary neoplastic syndrome. Identifiers: Orphanet 140162, MedGen C0027672, MeSH D009386, MONDO:0015356.

Submission:

Ambry Genetics
Classification: Uncertain significance for Hereditary cancer-predisposing syndrome. Last evaluated: 2026-03-03. Review status: criteria provided, single submitter. Criteria: Ambry Variant Classification Scheme 2023. Collection method: clinical testing. Allele origin: germline.
Comment: The c.151_153delCTGinsATT variant (also known as p.L51I), located in coding exon 2 of the DICER1 gene, results from an in-frame deletion of CTG and insertion of ATT at nucleotide positions 151 to 153. This results in the substitution of the leucine residue for an isoleucine residue at codon 51, an amino acid with highly similar properties. This amino acid position is highly conserved in available vertebrate species. In addition, this variant is predicted to be neutral by in silico analysis (Choi Y et al. PLoS ONE. 2012; 7(10):e46688). Based on the available evidence, the clinical significance of this variant remains unclear.

NM_177438.3(DICER1):c.151_153delinsATT (p.Leu51Ile)

Gene: DICER1 (dicer 1, ribonuclease III; minus strand). Cytogenetic location: 14q32.13.
Variant type: Indel.
Coding change: c.151_153delinsATT on transcript NM_177438.3 (MANE Select); coding-DNA positions 151 to 153, CTG replaced by ATT.
Protein change: p.Leu51Ile; replaces leucine 51 with isoleucine.
Molecular consequence: missense variant. On other transcripts: 5 prime UTR variant (9), non-coding transcript variant (6).
Genome position (GRCh38, 1-based): chr14:95,132,669-95,132,671, CAG replaced by AAT on the plus strand (CTG replaced by ATT on the coding strand, the reverse complement: DICER1 is on the minus strand). VCF-style: chr14-95132669-CAG-AAT. GRCh37 (hg19) VCF-style: chr14-95599006-CAG-AAT.
Other names: c.151_153delinsATT, p.Leu51Ile (NM_001195573.1, NM_001271282.3, NM_001291628.2 and 14 more transcripts); c.-124_-122delinsATT (NM_001395686.1, NM_001395687.1, NM_001395688.1 and 4 more transcripts); c.-308_-306delinsATT (NM_001395691.1); c.-1418_-1416delinsATT (NM_001395697.1); short protein forms L51I.
Identifiers: ClinVar variation 4826961 (VCV004826961.1).